The following is an entry in ClinVar:

NM_004525.3(LRP2):c.9577C>G (p.Gln3193Glu)

Gene: LRP2 (LDL receptor related protein 2; minus strand). Cytogenetic location: 2q31.1.
Variant type: single nucleotide variant.
Coding change: c.9577C>G on transcript NM_004525.3 (MANE Select); coding-DNA position 9577, C replaced by G.
Protein change: p.Gln3193Glu; replaces glutamine 3193 with glutamic acid.
Molecular consequence: missense variant.
Genome position (GRCh38, 1-based): chr2:169,185,771, G>C on the plus strand (C>G on the coding strand, the complement: LRP2 is on the minus strand). VCF-style: chr2-169185771-G-C. GRCh37 (hg19) VCF-style: chr2-170042281-G-C.
Other names: short protein forms Q3193E.
Identifiers: ClinVar variation 2005005 (VCV002005005.4), dbSNP rs2545755223, ClinGen allele CA349154039.

ClinVar aggregate classification (germline): Uncertain significance (1 of 4 stars; one submission).

Submission:

Labcorp Genetics (formerly Invitae), Labcorp
Classification: Uncertain significance. Last evaluated: 2022-10-13. Review status: criteria provided, single submitter. Criteria: Invitae Variant Classification Sherloc (09022015). Collection method: clinical testing. Allele origin: germline.
Comment: This sequence change replaces glutamine, which is neutral and polar, with glutamic acid, which is acidic and polar, at codon 3193 of the LRP2 protein (p.Gln3193Glu). This variant is not present in population databases (gnomAD no frequency). This variant has not been reported in the literature in individuals affected with LRP2-related conditions. Advanced modeling of protein sequence and biophysical properties (such as structural, functional, and spatial information, amino acid conservation, physicochemical variation, residue mobility, and thermodynamic stability) performed at Invitae indicates that this missense variant is not expected to disrupt LRP2 protein function. In summary, the available evidence is currently insufficient to determine the role of this variant in disease. Therefore, it has been classified as a Variant of Uncertain Significance.